The following is an entry in ClinVar:

NM_000427.3(LORICRIN):c.344C>T (p.Ser115Phe)

Gene: LORICRIN (loricrin cornified envelope precursor protein; plus strand). Cytogenetic location: 1q21.3.
Variant type: single nucleotide variant.
Coding change: c.344C>T on transcript NM_000427.3 (MANE Select); coding-DNA position 344, C replaced by T.
Protein change: p.Ser115Phe; replaces serine 115 with phenylalanine.
Molecular consequence: missense variant.
Genome position (GRCh38, 1-based): chr1:153,261,293, C>T. VCF-style: chr1-153261293-C-T. GRCh37 (hg19) VCF-style: chr1-153233769-C-T.
Other names: c.344C>T (NM_000427.2); short protein forms S115F.
Identifiers: ClinVar variation 2877265 (VCV002877265.4), dbSNP rs755902875, ClinGen allele CA1114327.
Genomic context (GRCh38, chr1:153,261,293, plus strand): 5'-GCTCCTCCGGCGGGGGCTCTGGCTGTTTCTCCAGCGGTGGGGGCGGCTCCGGCTGCTTCT[C>T]CTCCGGTGGCGGCGGCTCCTCCGGGGGCGGCTCCGGCTGCTTCTCCAGCGGTGGGGGCGG-3'
Protein context (NP_000418.2, residues 105-125): SSGGGGSGCF[Ser115Phe]SGGGGSSGGG

ClinVar aggregate classification (germline): Uncertain significance. Review status: criteria provided, multiple submitters, no conflicts (2 of 4 stars). 2 submissions from 2 submitters: Uncertain significance (2). Last evaluated 2025-02-08.

Allele frequency attached by ClinVar (database versions not stated): gnomAD exomes 0.00001; gnomAD 0.00002; ExAC 0.00069.

Submissions (2):

Ambry Genetics
Classification: Uncertain significance. Last evaluated: 2025-02-08. Review status: criteria provided, single submitter. Criteria: Ambry Variant Classification Scheme 2023. Collection method: clinical testing. Allele origin: germline.

Labcorp Genetics (formerly Invitae), Labcorp
Classification: Uncertain significance. Last evaluated: 2023-09-20. Review status: criteria provided, single submitter. Criteria: Invitae Variant Classification Sherloc (09022015). Collection method: clinical testing. Allele origin: germline.
Comment: This sequence change replaces serine, which is neutral and polar, with phenylalanine, which is neutral and non-polar, at codon 115 of the LOR protein (p.Ser115Phe). This variant is present in population databases (rs755902875, gnomAD 0.08%), and has an allele count higher than expected for a pathogenic variant. This variant has not been reported in the literature in individuals affected with LOR-related conditions. Experimental studies and prediction algorithms are not available or were not evaluated, and the functional significance of this variant is currently unknown. In summary, the available evidence is currently insufficient to determine the role of this variant in disease. Therefore, it has been classified as a Variant of Uncertain Significance.